The following is an entry in ClinVar:

NM_004187.5(KDM5C):c.3442G>A (p.Val1148Met)

Gene: KDM5C (lysine demethylase 5C; minus strand). Cytogenetic location: Xp11.22.
Variant type: single nucleotide variant.
Coding change: c.3442G>A on transcript NM_004187.5 (MANE Select); coding-DNA position 3442, G replaced by A.
Protein change: p.Val1148Met; replaces valine 1148 with methionine.
Molecular consequence: missense variant. On other transcripts: non-coding transcript variant (3).
Genome position (GRCh38, 1-based): chrX:53,194,735, C>T on the plus strand (G>A on the coding strand, the complement: KDM5C is on the minus strand). VCF-style: chrX-53194735-C-T. GRCh37 (hg19) VCF-style: chrX-53223917-C-T.
Other names: c.3241G>A, p.Val1081Met (NM_001146702.2); c.3439G>A, p.Val1147Met (NM_001282622.3, NM_001353979.2, NM_001353982.2); c.3442G>A, p.Val1148Met (NM_001353978.3, NM_001353981.2, NM_001353984.2); short protein forms V1081M, V1148M, V1147M.
Identifiers: ClinVar variation 522629 (VCV000522629.20), dbSNP rs782205045, ClinGen allele CA10419219.

ClinVar aggregate classification (germline): Conflicting classifications of pathogenicity. Review status: criteria provided, conflicting classifications (1 of 4 stars). 4 submissions from 4 submitters: Uncertain significance (1); Benign (1); Likely benign (2). Last evaluated 2025-08-01.

Conditions:
Intellectual developmental disorder, X-linked, syndromic, Claes-Jensen type. Also called: INTELLECTUAL DEVELOPMENTAL DISORDER, X-LINKED, SYNDROMIC 16; MENTAL RETARDATION, X-LINKED, SYNDROMIC 16; Syndromic X-linked intellectual disability Claes-Jensen type. Identifiers: Orphanet 85279, MedGen C1845243, MONDO:0010355, OMIM 300534.
Spastic paraplegia. Identifiers: MedGen C0037772, HP:0001258.

Allele frequency attached by ClinVar (database versions not stated): ExAC 0.00001; gnomAD exomes 0.00001.

Submissions (4):

CeGaT Center for Human Genetics Tuebingen
Classification: Likely benign. Last evaluated: 2025-08-01. Review status: criteria provided, single submitter. Criteria: CeGaT Center For Human Genetics Tuebingen Variant Classification Criteria Version 2. Collection method: clinical testing. Allele origin: germline. Affected: yes. Observed: 2 variant alleles.
Comment: KDM5C: BS2

Labcorp Genetics (formerly Invitae), Labcorp
Classification: Benign for Spastic paraplegia. Last evaluated: 2025-05-16. Review status: criteria provided, single submitter. Criteria: Invitae Variant Classification Sherloc (09022015). Collection method: clinical testing. Allele origin: germline.

Genomic Research Center, Shahid Beheshti University of Medical Sciences
Classification: Likely benign for Intellectual developmental disorder, X-linked, syndromic, Claes-Jensen type. Last evaluated: 2023-10-07. Review status: criteria provided, single submitter. Criteria: ACMG Guidelines, 2015. Collection method: clinical testing. Allele origin: inherited.

Blueprint Genetics
Classification: Uncertain significance. Last evaluated: 2021-01-29. Review status: criteria provided, single submitter. Criteria: ACMG Guidelines, 2015. Collection method: clinical testing. Allele origin: germline.